The following is an entry in ClinVar:

NM_001330691.3(CEP78):c.479T>C (p.Ile160Thr)

Gene: CEP78 (centrosomal protein 78; plus strand). Cytogenetic location: 9q21.2.
Variant type: single nucleotide variant.
Coding change: c.479T>C on transcript NM_001330691.3 (MANE Select); coding-DNA position 479, T replaced by C.
Protein change: p.Ile160Thr; replaces isoleucine 160 with threonine.
Molecular consequence: missense variant.
Genome position (GRCh38, 1-based): chr9:78,240,344, T>C. VCF-style: chr9-78240344-T-C. GRCh37 (hg19) VCF-style: chr9-80855260-T-C.
Other names: c.479T>C, p.Ile160Thr (NM_001098802.3, NM_001330693.3, NM_001330694.2 and 4 more transcripts); short protein forms I160T.
Identifiers: ClinVar variation 1714354 (VCV001714354.5), dbSNP rs1826169204, ClinGen allele CA374000079.

ClinVar aggregate classification (germline): Uncertain significance (1 of 4 stars; one submission).

Allele frequency attached by ClinVar (database versions not stated): gnomAD exomes below 0.00001; gnomAD 0.00001.

Submission:

Labcorp Genetics (formerly Invitae), Labcorp
Classification: Uncertain significance. Last evaluated: 2022-07-30. Review status: criteria provided, single submitter. Criteria: Invitae Variant Classification Sherloc (09022015). Collection method: clinical testing. Allele origin: germline.
Comment: This sequence change replaces isoleucine, which is neutral and non-polar, with threonine, which is neutral and polar, at codon 160 of the CEP78 protein (p.Ile160Thr). This variant is not present in population databases (gnomAD no frequency). This variant has not been reported in the literature in individuals affected with CEP78-related conditions. Algorithms developed to predict the effect of missense changes on protein structure and function are either unavailable or do not agree on the potential impact of this missense change (SIFT: "Deleterious"; PolyPhen-2: "Benign"; Align-GVGD: "Class C0"). In summary, the available evidence is currently insufficient to determine the role of this variant in disease. Therefore, it has been classified as a Variant of Uncertain Significance.